The following is an entry in ClinVar:

ClinVar aggregate classification (germline): Pathogenic. Review status: criteria provided, multiple submitters, no conflicts (2 of 4 stars). 4 submissions from 4 submitters: Pathogenic (4). Last evaluated 2023-08-14.

Conditions:
Saldino-Mainzer syndrome (SRTD9). Also called: SHORT-RIB THORACIC DYSPLASIA 9 WITHOUT POLYDACTYLY; CONORENAL SYNDROME; short-rib thoracic dysplasia 9 with or without polydactyly; Renal dysplasia, retinal pigmentary dystrophy, cerebellar ataxia and skeletal dysplasia. Identifiers: Orphanet 140969, MedGen C1849437, MONDO:0009964, OMIM 266920.
IFT140-related disorder. Also called: IFT140-related condition.
Retinitis pigmentosa 80 (RP80). Identifiers: MedGen C4540439, MONDO:0054708, OMIM 617781.

Submissions (4):

PreventionGenetics, part of Exact Sciences
Classification: Pathogenic for IFT140-related condition. Last evaluated: 2023-08-14. Review status: criteria provided, single submitter. Criteria: ACMG Guidelines, 2015. Collection method: clinical testing. Allele origin: germline.
Comment: The IFT140 c.2656C>T variant is predicted to result in premature protein termination (p.Gln886*). This variant has been reported in an individual with nephronophthisis-related ciliopathy (Table S1, Bullich et al. 2018. PubMed ID: 29801666). This variant has not been reported in a large population database, indicating this variant is rare. Nonsense variants in IFT140 are expected to be pathogenic. This variant is interpreted as pathogenic.

Molecular Biology Laboratory, Fundació Puigvert
Classification: Pathogenic for Saldino-Mainzer syndrome. Last evaluated: 2020-02-01. Review status: criteria provided, single submitter. Criteria: ACMG Guidelines, 2015. Collection method: research. Allele origin: germline. Affected: yes. Study: KidneyPanel_2020.

GeneDx
Classification: Pathogenic. Last evaluated: 2019-08-01. Review status: criteria provided, single submitter. Criteria: GeneDx Variant Classification Process June 2021. Collection method: clinical testing. Allele origin: germline. Affected: yes.
Comment: Nonsense variant predicted to result in protein truncation or nonsense mediated decay in a gene for which loss-of-function is a known mechanism of disease; Not observed in large population cohorts (Lek et al., 2016); This variant is associated with the following publications: (PMID: 29801666)

Clinical Genetics Service, Universitary Hospital 12 de Octubre
Classification: Pathogenic for Retinitis pigmentosa 80. Review status: criteria provided, single submitter. Criteria: ACMG Guidelines, 2015. Collection method: clinical testing. Allele origin: germline. Affected: yes.

Literature cited by the submitters: PubMed 33532864 (cited by Molecular Biology Laboratory, Fundació Puigvert).

NM_014714.4(IFT140):c.2656C>T (p.Gln886Ter)

Gene: IFT140 (intraflagellar transport 140; minus strand). Cytogenetic location: 16p13.3.
Variant type: single nucleotide variant.
Coding change: c.2656C>T on transcript NM_014714.4 (MANE Select); coding-DNA position 2656, C replaced by T.
Protein change: p.Gln886Ter; replaces glutamine 886 with a stop codon.
Molecular consequence: nonsense.
Genome position (GRCh38, 1-based): chr16:1,525,999, G>A on the plus strand (C>T on the coding strand, the complement: IFT140 is on the minus strand). VCF-style: chr16-1525999-G-A. GRCh37 (hg19) VCF-style: chr16-1576000-G-A.
Other names: short protein forms Q886*.
Identifiers: ClinVar variation 620349 (VCV000620349.6), dbSNP rs1567330535, ClinGen allele CA394227503.